The following is an entry in ClinVar:

NM_004727.3(SLC24A1):c.965A>C (p.Gln322Pro)

Gene: SLC24A1 (solute carrier family 24 member 1; plus strand). Cytogenetic location: 15q22.31.
Variant type: single nucleotide variant.
Coding change: c.965A>C on transcript NM_004727.3 (MANE Select); coding-DNA position 965, A replaced by C.
Protein change: p.Gln322Pro; replaces glutamine 322 with proline.
Molecular consequence: missense variant.
Genome position (GRCh38, 1-based): chr15:65,625,045, A>C. VCF-style: chr15-65625045-A-C. GRCh37 (hg19) VCF-style: chr15-65917383-A-C.
Other names: c.965A>C, p.Gln322Pro (NM_001301031.1, NM_001301032.1, NM_001301033.2); short protein forms Q322P.
Identifiers: ClinVar variation 1060625 (VCV001060625.9), dbSNP rs2141465579, ClinGen allele CA392916220.

ClinVar aggregate classification (germline): Uncertain significance (1 of 4 stars; one submission).

Allele frequency attached by ClinVar (database versions not stated): gnomAD exomes below 0.00001.
gnomAD v4.1: 1 of 1,613,776 alleles (0.000062%); highest among the groups gnomAD compares: Non-Finnish European, 0.000085%; no homozygotes.

Submission:

Labcorp Genetics (formerly Invitae), Labcorp
Classification: Uncertain significance. Last evaluated: 2025-10-01. Review status: criteria provided, single submitter. Criteria: Invitae Variant Classification Sherloc (09022015). Collection method: clinical testing. Allele origin: germline.
Comment: This sequence change replaces glutamine, which is neutral and polar, with proline, which is neutral and non-polar, at codon 322 of the SLC24A1 protein (p.Gln322Pro). This variant is not present in population databases (gnomAD no frequency). This variant has not been reported in the literature in individuals affected with SLC24A1-related conditions. ClinVar contains an entry for this variant (Variation ID: 1060625). An algorithm developed to predict the effect of missense changes on protein structure and function outputs the following: PolyPhen-2: "Possibly Damaging". The proline amino acid residue is found in multiple mammalian species, which suggests that this missense change does not adversely affect protein function. In summary, the available evidence is currently insufficient to determine the role of this variant in disease. Therefore, it has been classified as a Variant of Uncertain Significance.